The following is an entry in ClinVar:

ClinVar aggregate classification (germline): Uncertain significance (1 of 4 stars; one submission).

gnomAD v4.1: 2 of 1,614,164 alleles (0.00012%); highest among the groups gnomAD compares: Admixed American, 0.0033%; no homozygotes.

Submission:

GeneDx
Classification: Uncertain significance. Last evaluated: 2026-02-25. Review status: criteria provided, single submitter. Criteria: GeneDx Variant Classification Process June 2021. Collection method: clinical testing. Allele origin: germline.
Comment: Not observed at significant frequency in large population cohorts (gnomAD); In silico analysis supports that this missense variant has a deleterious effect on protein structure/function; Has not been previously published as pathogenic or benign to our knowledge

NM_012123.4(MTO1):c.572T>G (p.Leu191Arg)

Gene: MTO1 (mitochondrial tRNA translation optimization 1; plus strand). Cytogenetic location: 6q13.
Variant type: single nucleotide variant.
Coding change: c.572T>G on transcript NM_012123.4 (MANE Select); coding-DNA position 572, T replaced by G.
Protein change: p.Leu191Arg; replaces leucine 191 with arginine.
Molecular consequence: missense variant.
Genome position (GRCh38, 1-based): chr6:73,473,401, T>G. VCF-style: chr6-73473401-T-G. GRCh37 (hg19) VCF-style: chr6-74183124-T-G.
Other names: c.572T>G, p.Leu191Arg (NM_001123226.2, NM_133645.3); short protein forms L191R.
Identifiers: ClinVar variation 5009977 (VCV005009977.1).